The following is an entry in ClinVar:

NM_001277325.2(NPIPA5):c.249T>G (p.Asp83Glu)

Gene: NPIPA5 (nuclear pore complex interacting protein family member A5; minus strand). Cytogenetic location: 16p13.11.
Variant type: single nucleotide variant.
Coding change: c.249T>G on transcript NM_001277325.2 (MANE Select); coding-DNA position 249, T replaced by G.
Protein change: p.Asp83Glu; replaces aspartic acid 83 with glutamic acid.
Molecular consequence: missense variant.
Genome position (GRCh38, 1-based): chr16:15,370,063, A>C on the plus strand (T>G on the coding strand, the complement: NPIPA5 is on the minus strand). VCF-style: chr16-15370063-A-C. GRCh37 (hg19) VCF-style: chr16-15463920-A-C.
Other names: c.249T>G, p.Asp83Glu (NM_001351200.1); short protein forms D83E.
Identifiers: ClinVar variation 3388337 (VCV003388337.14).

ClinVar aggregate classification (germline): Likely benign (1 of 4 stars; one submission).

gnomAD v4.1: 8,346 of 1,507,420 alleles (0.55%); highest among the groups gnomAD compares: Middle Eastern, 0.79%; 389 homozygotes.

Submission:

CeGaT Center for Human Genetics Tuebingen
Classification: Likely benign. Last evaluated: 2024-11-01. Review status: criteria provided, single submitter. Criteria: CeGaT Center For Human Genetics Tuebingen Variant Classification Criteria Version 2. Collection method: clinical testing. Allele origin: germline. Affected: yes. Observed: 1 variant allele.
Comment: NPIPA5: BP4, BS2